The following is an entry in ClinVar:

ClinVar aggregate classification (germline): Uncertain significance (1 of 4 stars; one submission).

Conditions:
Retinitis pigmentosa 12 (RP12). Also called: RP WITH OR WITHOUT PPRPE; RP WITH OR WITHOUT PRESERVED PARAARTERIOLE RETINAL PIGMENT EPITHELIUM; RETINITIS PIGMENTOSA WITH OR WITHOUT PARAARTERIOLAR PRESERVATION OF RETINAL PIGMENT EPITHELIUM. Identifiers: Orphanet 791, MedGen C1838647, MONDO:0010818, OMIM 600105.
Leber congenital amaurosis 8 (LCA8). Identifiers: Orphanet 65, MedGen C3151202, MONDO:0013453, OMIM 613835.

Submission:

Labcorp Genetics (formerly Invitae), Labcorp
Classification: Uncertain significance for Leber congenital amaurosis 8; Retinitis pigmentosa 12. Last evaluated: 2024-02-19. Review status: criteria provided, single submitter. Criteria: Invitae Variant Classification Sherloc (09022015). Collection method: clinical testing. Allele origin: germline.
Comment: This sequence change replaces proline, which is neutral and non-polar, with threonine, which is neutral and polar, at codon 596 of the CRB1 protein (p.Pro596Thr). This variant is not present in population databases (gnomAD no frequency). This variant has not been reported in the literature in individuals affected with CRB1-related conditions. ClinVar contains an entry for this variant (Variation ID: 1720144). Advanced modeling of protein sequence and biophysical properties (such as structural, functional, and spatial information, amino acid conservation, physicochemical variation, residue mobility, and thermodynamic stability) performed at Invitae indicates that this missense variant is expected to disrupt CRB1 protein function with a positive predictive value of 80%. In summary, the available evidence is currently insufficient to determine the role of this variant in disease. Therefore, it has been classified as a Variant of Uncertain Significance.

NM_201253.3(CRB1):c.1786C>A (p.Pro596Thr)

Gene: CRB1 (crumbs cell polarity complex component 1; plus strand). Cytogenetic location: 1q31.3.
Variant type: single nucleotide variant.
Coding change: c.1786C>A on transcript NM_201253.3 (MANE Select); coding-DNA position 1786, C replaced by A.
Protein change: p.Pro596Thr; replaces proline 596 with threonine.
Molecular consequence: missense variant. On other transcripts: non-coding transcript variant (1).
Genome position (GRCh38, 1-based): chr1:197,421,614, C>A. VCF-style: chr1-197421614-C-A. GRCh37 (hg19) VCF-style: chr1-197390744-C-A.
Other names: c.1450C>A, p.Pro484Thr (NM_001193640.2); c.1579C>A, p.Pro527Thr (NM_001257965.2); c.1786C>A, p.Pro596Thr (NM_001257966.2); short protein forms P484T, P527T, P596T.
Identifiers: ClinVar variation 1720144 (VCV001720144.5), dbSNP rs1230478193, ClinGen allele CA344032610.